The following is an entry in ClinVar:

NM_022835.3(PLEKHG2):c.957G>A (p.Ala319=)

Gene: PLEKHG2 (pleckstrin homology and RhoGEF domain containing G2; plus strand). Cytogenetic location: 19q13.2.
Variant type: single nucleotide variant.
Coding change: c.957G>A on transcript NM_022835.3 (MANE Select); coding-DNA position 957, G replaced by A.
Protein change: p.Ala319=; no amino-acid change (alanine 319 retained).
Molecular consequence: synonymous variant.
Genome position (GRCh38, 1-based): chr19:39,417,979, G>A. VCF-style: chr19-39417979-G-A. GRCh37 (hg19) VCF-style: chr19-39908619-G-A.
Other names: c.780G>A, p.Ala260= (NM_001351693.2); c.957G>A, p.Ala319= (NM_001351694.2).
Identifiers: ClinVar variation 738948 (VCV000738948.10), dbSNP rs113017292, ClinGen allele CA9429299.

ClinVar aggregate classification (germline): Likely benign. Review status: criteria provided, single submitter (1 of 4 stars). 2 submissions from 2 submitters: Likely benign (1). 1 of the submissions does not count toward it. Last evaluated 2026-01-27.

Conditions:
PLEKHG2-related disorder. Also called: PLEKHG2-related condition.

Allele frequency attached by ClinVar (database versions not stated): ESP Exome Variant Server 0.00062; TOPMed 0.00066; 1000 Genomes Project 0.00080; 1000 Genomes Project 30x 0.00094.
gnomAD v4.1: 188 of 1,548,694 alleles (0.012%); highest among the groups gnomAD compares: African/African-American, 0.21%; 1 homozygote.

Submissions (2):

Labcorp Genetics (formerly Invitae), Labcorp
Classification: Likely benign. Last evaluated: 2026-01-27. Review status: criteria provided, single submitter. Criteria: Invitae Variant Classification Sherloc (09022015). Collection method: clinical testing. Allele origin: germline.

PreventionGenetics, part of Exact Sciences
Classification: Likely benign for PLEKHG2-related condition. Last evaluated: 2019-11-11. Review status: no assertion criteria provided. Collection method: clinical testing. Allele origin: germline. Not counted in ClinVar's aggregate classification.
Comment: This variant is classified as likely benign based on ACMG/AMP sequence variant interpretation guidelines (Richards et al. 2015 PMID: 25741868, with internal and published modifications).